The following is an entry in ClinVar:

NM_001197104.2(KMT2A):c.9989C>T (p.Thr3330Ile)

Gene: KMT2A (lysine methyltransferase 2A; plus strand). Cytogenetic location: 11q23.3.
Variant type: single nucleotide variant.
Coding change: c.9989C>T on transcript NM_001197104.2 (MANE Select); coding-DNA position 9989, C replaced by T.
Protein change: p.Thr3330Ile; replaces threonine 3330 with isoleucine.
Molecular consequence: missense variant.
Genome position (GRCh38, 1-based): chr11:118,505,881, C>T. VCF-style: chr11-118505881-C-T. GRCh37 (hg19) VCF-style: chr11-118376596-C-T.
Other names: c.10079C>T, p.Thr3360Ile (NM_001412597.1); c.9980C>T, p.Thr3327Ile (NM_005933.4); short protein forms T3327I, T3330I, T3360I.
Identifiers: ClinVar variation 4800582 (VCV004800582.1).
Genomic context (GRCh38, chr11:118,505,881, plus strand): 5'-GAGGAACTGCTGCCACAGCGGCAGGCACATCAACAATAAGCCAGGATACTAGCCACCTCA[C>T]ATCAGGGTCTGTGTCTGGCTTGGCATCCAGTTCCTCTGTCTTGAATGTTGTATCCATGCA-3'
Protein context (NP_001184033.1, residues 3320-3340): STISQDTSHL[Thr3330Ile]SGSVSGLASS

ClinVar aggregate classification (germline): Uncertain significance (1 of 4 stars; one submission).

gnomAD v4.1: 1 of 1,614,220 alleles (0.000062%); highest among the groups gnomAD compares: South Asian, 0.0011%; no homozygotes.

Submission:

Labcorp Genetics (formerly Invitae), Labcorp
Classification: Uncertain significance. Last evaluated: 2025-11-08. Review status: criteria provided, single submitter. Criteria: Invitae Variant Classification Sherloc (09022015). Collection method: clinical testing. Allele origin: germline.
Comment: This sequence change replaces threonine, which is neutral and polar, with isoleucine, which is neutral and non-polar, at codon 3330 of the KMT2A protein (p.Thr3330Ile). This variant is not present in population databases (gnomAD no frequency). This variant has not been reported in the literature in individuals affected with KMT2A-related conditions. Invitae Evidence Modeling of protein sequence and biophysical properties (such as structural, functional, and spatial information, amino acid conservation, physicochemical variation, residue mobility, and thermodynamic stability) indicates that this missense variant is not expected to disrupt KMT2A protein function with a negative predictive value of 95%. In summary, the available evidence is currently insufficient to determine the role of this variant in disease. Therefore, it has been classified as a Variant of Uncertain Significance.